The following is an entry in ClinVar:

NM_012310.5(KIF4A):c.1327T>A (p.Cys443Ser)

Gene: KIF4A (kinesin family member 4A; plus strand). Cytogenetic location: Xq13.1.
Variant type: single nucleotide variant.
Coding change: c.1327T>A on transcript NM_012310.5 (MANE Select); coding-DNA position 1327, T replaced by A.
Protein change: p.Cys443Ser; replaces cysteine 443 with serine.
Molecular consequence: missense variant.
Genome position (GRCh38, 1-based): chrX:70,343,878, T>A. VCF-style: chrX-70343878-T-A. GRCh37 (hg19) VCF-style: chrX-69563728-T-A.
Other names: short protein forms C443S.
Identifiers: ClinVar variation 2573565 (VCV002573565.1), dbSNP rs2519655614, ClinGen allele CA413470586.

ClinVar aggregate classification (germline): Uncertain significance (1 of 4 stars; one submission).

Submission:

Women's Health and Genetics/Laboratory Corporation of America, LabCorp
Classification: Uncertain significance. Last evaluated: 2023-06-09. Review status: criteria provided, single submitter. Criteria: LabCorp Variant Classification Summary - May 2015. Collection method: clinical testing. Allele origin: germline.
Comment: Variant summary: KIF4A c.1327T>A (p.Cys443Ser) results in a non-conservative amino acid change in the encoded protein sequence. Three of five in-silico tools predict a damaging effect of the variant on protein function. Several computational tools predict a significant impact on normal splicing: One predicts the variant abolishes a 3' acceptor site. Two predict the variant weakens a 3' acceptor site. However, these predictions have yet to be confirmed by functional studies. The variant was absent in 180143 control chromosomes. The available data on variant occurrences in the general population are insufficient to allow any conclusion about variant significance. To our knowledge, no occurrence of c.1327T>A in individuals affected with Intellectual Disability, X-Linked 100 and no experimental evidence demonstrating its impact on protein function have been reported. No clinical diagnostic laboratories have submitted clinical-significance assessments for this variant to ClinVar after 2014. Based on the evidence outlined above, the variant was classified as uncertain significance.